The following is an entry in ClinVar:

ClinVar aggregate classification (germline): Uncertain significance. Review status: criteria provided, multiple submitters, no conflicts (2 of 4 stars). 3 submissions from 3 submitters: Uncertain significance (3). Last evaluated 2026-02-05.

Conditions:
Donnai-Barrow syndrome. Also called: DBS/FOAR SYNDROME; FACIOOCULOACOUSTICORENAL SYNDROME. Identifiers: Orphanet 2143, MedGen C1857277, MONDO:0009104, OMIM 222448.

Allele frequency attached by ClinVar (database versions not stated): ExAC 0.00002; gnomAD exomes 0.00002 and 0.00001; gnomAD 0.00004 and 0.00005; TOPMed 0.00001.
gnomAD v4.1: 39 of 1,613,610 alleles (0.0024%); highest among the groups gnomAD compares: Non-Finnish European, 0.0031%; no homozygotes.

Submissions (3):

GeneDx
Classification: Uncertain significance. Last evaluated: 2026-02-05. Review status: criteria provided, single submitter. Criteria: GeneDx Variant Classification Process June 2021. Collection method: clinical testing. Allele origin: germline. Affected: yes.
Comment: Identified via whole exome sequence analysis in a family with autosomal dominant polycystic kidney disease; however the affected individuals were also found to harbor a variant in the PKD1 gene and additional clinical information on this family was not provided (PMID: 27259053); In silico analysis supports that this missense variant has a deleterious effect on protein structure/function; This variant is associated with the following publications: (PMID: 27259053)

Labcorp Genetics (formerly Invitae), Labcorp
Classification: Uncertain significance. Last evaluated: 2022-06-11. Review status: criteria provided, single submitter. Criteria: Invitae Variant Classification Sherloc (09022015). Collection method: clinical testing. Allele origin: germline.
Comment: This sequence change replaces proline, which is neutral and non-polar, with leucine, which is neutral and non-polar, at codon 3180 of the LRP2 protein (p.Pro3180Leu). This variant is present in population databases (rs753134418, gnomAD 0.005%). This variant has not been reported in the literature in individuals affected with LRP2-related conditions. ClinVar contains an entry for this variant (Variation ID: 1303327). Advanced modeling of protein sequence and biophysical properties (such as structural, functional, and spatial information, amino acid conservation, physicochemical variation, residue mobility, and thermodynamic stability) performed at Invitae indicates that this missense variant is not expected to disrupt LRP2 protein function. In summary, the available evidence is currently insufficient to determine the role of this variant in disease. Therefore, it has been classified as a Variant of Uncertain Significance.

Fulgent Genetics
Classification: Uncertain significance for Donnai-Barrow syndrome. Last evaluated: 2022-01-11. Review status: criteria provided, single submitter. Criteria: ACMG Guidelines, 2015. Collection method: clinical testing. Allele origin: unknown.

NM_004525.3(LRP2):c.9539C>T (p.Pro3180Leu)

Gene: LRP2 (LDL receptor related protein 2; minus strand). Cytogenetic location: 2q31.1.
Variant type: single nucleotide variant.
Coding change: c.9539C>T on transcript NM_004525.3 (MANE Select); coding-DNA position 9539, C replaced by T.
Protein change: p.Pro3180Leu; replaces proline 3180 with leucine.
Molecular consequence: missense variant.
Genome position (GRCh38, 1-based): chr2:169,185,809, G>A on the plus strand (C>T on the coding strand, the complement: LRP2 is on the minus strand). VCF-style: chr2-169185809-G-A. GRCh37 (hg19) VCF-style: chr2-170042319-G-A.
Other names: short protein forms P3180L.
Identifiers: ClinVar variation 1303327 (VCV001303327.6), dbSNP rs753134418, ClinGen allele CA1953554.